The following is an entry in ClinVar:

NM_000214.3(JAG1):c.818A>C (p.His273Pro)

Gene: JAG1 (jagged canonical Notch ligand 1; minus strand). Cytogenetic location: 20p12.2.
Variant type: single nucleotide variant.
Coding change: c.818A>C on transcript NM_000214.3 (MANE Select); coding-DNA position 818, A replaced by C.
Protein change: p.His273Pro; replaces histidine 273 with proline.
Molecular consequence: missense variant.
Genome position (GRCh38, 1-based): chr20:10,652,536, T>G on the plus strand (A>C on the coding strand, the complement: JAG1 is on the minus strand). VCF-style: chr20-10652536-T-G. GRCh37 (hg19) VCF-style: chr20-10633184-T-G.
Other names: short protein forms H273P.
Identifiers: ClinVar variation 3573110 (VCV003573110.2).

Conditions:
Arteriohepatic dysplasia. Also called: Alagille Syndrome. Identifiers: Orphanet 52, MedGen C0085280, MeSH D016738, MONDO:0007318.

Submission:

Gilbert/Spinner Lab, Children's Hospital of Philadelphia
No classification provided (evidence only). Condition: Alagille syndrome. Review status: no classification provided. Collection method: research. Allele origin: not applicable. Functional consequence: functionally_abnormal.
ClinVar note: "not provided" was previously submitted as the classification for the variant. However, the classification appeared to be based only on an observation of functional data so it was converted to no classification on 2025-07-30.